The following is an entry in ClinVar:

ClinVar aggregate classification (germline): Likely benign (1 of 4 stars; one submission).

Conditions:
Congenital Muscular Dystrophy, alpha-dystroglycan related.

Allele frequency attached by ClinVar (database versions not stated): ExAC below 0.00001; gnomAD 0.00218; TOPMed 0.00268; 1000 Genomes Project 30x 0.00375; 1000 Genomes Project 0.00419.
gnomAD v4.1: 399 of 228,226 alleles (0.17%); highest among the groups gnomAD compares: East Asian, 2%; 6 homozygotes.

Submission:

Illumina Laboratory Services, Illumina
Classification: Likely benign for Congenital Muscular Dystrophy, alpha-dystroglycan related. Last evaluated: 2018-01-13. Review status: criteria provided, single submitter. Criteria: ICSL Variant Classification Criteria 13 December 2019. Collection method: clinical testing. Allele origin: germline.
Comment: This variant was observed in the ICSL laboratory as part of a predisposition screen in an ostensibly healthy population. It had not been previously curated by ICSL or reported in the Human Gene Mutation Database (HGMD: prior to June 1st, 2018), and was therefore a candidate for classification through an automated scoring system. Utilizing variant allele frequency, disease prevalence and penetrance estimates, and inheritance mode, an automated score was calculated to assess if this variant is too frequent to cause the disease. Based on the score and internal cut-off values, a variant classified as likely benign is not then subjected to further curation. The score for this variant resulted in a classification of likely benign for this disease.

NM_001101426.4(CRPPA):c.*2119C>A

Gene: CRPPA (CDP-L-ribitol pyrophosphorylase A; minus strand). Cytogenetic location: 7p21.2.
Variant type: single nucleotide variant.
Coding change: c.*2119C>A on transcript NM_001101426.4 (MANE Select); 2119 bases downstream of the stop codon, C replaced by A.
Molecular consequence: 3 prime UTR variant. On other transcripts: non-coding transcript variant (1).
Genome position (GRCh38, 1-based): chr7:16,089,576, G>T on the plus strand (C>A on the coding strand, the complement: CRPPA is on the minus strand). VCF-style: chr7-16089576-G-T. GRCh37 (hg19) VCF-style: chr7-16129201-G-T.
Other names: c.*2119C>A (NM_001101417.4, NM_001368197.1).
Identifiers: ClinVar variation 359550 (VCV000359550.5), dbSNP rs148625258, ClinGen allele CA4169305.